The following is an entry in ClinVar:

NM_001164508.2(NEB):c.11077-19T>C

Gene: NEB (nebulin; minus strand). Cytogenetic location: 2q23.3.
Variant type: single nucleotide variant.
Coding change: c.11077-19T>C on transcript NM_001164508.2 (MANE Select); 19 bases into the intron before coding-DNA position 11077, T replaced by C.
Molecular consequence: intron variant.
Genome position (GRCh38, 1-based): chr2:151,617,487, A>G on the plus strand (T>C on the coding strand, the complement: NEB is on the minus strand). VCF-style: chr2-151617487-A-G. GRCh37 (hg19) VCF-style: chr2-152474001-A-G.
Other names: c.10348-19T>C (NM_004543.5); c.11077-19T>C (NM_001164507.2, NM_001271208.2).
Identifiers: ClinVar variation 496130 (VCV000496130.10), dbSNP rs4303716, ClinGen allele CA1908855.

ClinVar aggregate classification (germline): Benign/Likely benign. Review status: criteria provided, multiple submitters, no conflicts (2 of 4 stars). 4 submissions from 4 submitters: Benign (3); Likely benign (1). Last evaluated 2026-02-04.

Conditions:
Nemaline myopathy 2 (NEM2). Also called: Nemaline myopathy 2, autosomal recessive. Identifiers: MedGen C1850569, MONDO:0009725, OMIM 256030.

Allele frequency attached by ClinVar (database versions not stated): ExAC 0.08609; gnomAD exomes 0.11301 and 0.18791; gnomAD 0.21438 and 0.21658.
gnomAD v4.1: 196,313 of 1,020,580 alleles (19%); highest among the groups gnomAD compares: Admixed American, 30%; 10,783 homozygotes.

Submissions (4):

Labcorp Genetics (formerly Invitae), Labcorp
Classification: Benign for Nemaline myopathy 2. Last evaluated: 2026-02-04. Review status: criteria provided, single submitter. Criteria: Invitae Variant Classification Sherloc (09022015). Collection method: clinical testing. Allele origin: germline.

Blueprint Genetics
Classification: Likely benign. Last evaluated: 2024-11-26. Review status: criteria provided, single submitter. Criteria: ACMG Guidelines, 2015. Collection method: clinical testing. Allele origin: germline.

Women's Health and Genetics/Laboratory Corporation of America, LabCorp
Classification: Benign. Last evaluated: 2017-02-27. Review status: criteria provided, single submitter. Criteria: LabCorp Variant Classification Summary - May 2015. Collection method: clinical testing. Allele origin: germline.
Comment: Variant summary: The NEB c.11077-19T>C variant involves the alteration of a non-conserved intronic nucleotide. One in silico tool predicts a benign outcome for this variant. 5/5 splice prediction tools predict no significant impact on normal splicing. However, these predictions have yet to be confirmed by functional studies. This variant was found in 1707/19828 control chromosomes (134 homozygotes) at a frequency of 0.0860904, which is approximately 24 times the estimated maximal expected allele frequency of a pathogenic NEB variant (0.0035355), suggesting this variant is likely a benign polymorphism. The variant of interest has not, to our knowledge, been reported in affected individuals via publications and/or reputable databases/clinical diagnostic laboratories; nor evaluated for functional impact by in vivo/vitro studies. Taken together, this variant is classified as benign.

Breakthrough Genomics
Classification: Benign. Review status: criteria provided, single submitter. Criteria: ACMG Guidelines, 2015. Collection method: not provided. Allele origin: germline. Inheritance: Autosomal recessive inheritance. Affected: yes.